The following is an entry in ClinVar:

NM_001083619.3(GRIA2):c.1199C>T (p.Thr400Ile)

Gene: GRIA2 (glutamate ionotropic receptor AMPA type subunit 2; plus strand). Cytogenetic location: 4q32.1.
Variant type: single nucleotide variant.
Coding change: c.1199C>T on transcript NM_001083619.3 (MANE Select); coding-DNA position 1199, C replaced by T.
Protein change: p.Thr400Ile; replaces threonine 400 with isoleucine.
Molecular consequence: missense variant.
Genome position (GRCh38, 1-based): chr4:157,334,053, C>T. VCF-style: chr4-157334053-C-T. GRCh37 (hg19) VCF-style: chr4-158255205-C-T.
Other names: c.1199C>T, p.Thr400Ile (NM_000826.6); c.1058C>T, p.Thr353Ile (NM_001083620.3, NM_001379000.3, NM_001379001.3); short protein forms T353I, T400I.
Identifiers: ClinVar variation 1878575 (VCV001878575.1), dbSNP rs2530742133, ClinGen allele CA358647211.
Genomic context (GRCh38, chr4:157,334,053, plus strand): 5'-GCTGTAACCTTTTCCAGATTGGCTACTGGAGTGAAGTGGACAAAATGGTTGTTACCCTTA[C>T]TGAGCTCCCTTCTGGAAATGACACCTCTGGGCTTGAGAATAAGACTGTTGTTGTCACCAC-3'
Protein context (NP_001077088.2, residues 390-410): SEVDKMVVTL[Thr400Ile]ELPSGNDTSG

ClinVar aggregate classification (germline): Uncertain significance (1 of 4 stars; one submission).

Conditions:
Neurodevelopmental disorder with language impairment and behavioral abnormalities. Also called: GRIA2-related neurodevelopmental disorder. Identifiers: MedGen C5394502, MONDO:0030060, OMIM 618917.

Submission:

Neuberg Centre For Genomic Medicine, NCGM
Classification: Uncertain significance for Neurodevelopmental disorder with language impairment and behavioral abnormalities. Review status: criteria provided, single submitter. Criteria: ACMG Guidelines, 2015. Collection method: clinical testing. Allele origin: germline. Affected: yes.
Comment: The missense variant c.1199C>T(p.Thr400Ile) in GRIA2 gene has not been reported previously as a pathogenic variant nor as a benign variant, to our knowledge. The p.Thr400Ile variant is novel (not in any individuals) in gnomAD Exomes and 1000 Genomes. The amino acid Thr at position 400 is changed to a Ile changing protein sequence and it might alter its composition and physico-chemical properties. In silico tools predict the variant to be tolerated. The residue is conserved across species. The amino acid change p.Thr400Ile in GRIA2 is predicted as conserved by GERP++ and PhyloP across 100 vertebrates. For these reasons, this variant has been classified as Uncertain Significance.